The following is an entry in ClinVar:

NM_001353345.2(SETD1B):c.3179C>T (p.Pro1060Leu)

Gene: SETD1B (SET domain containing 1B, histone lysine methyltransferase; plus strand). Cytogenetic location: 12q24.31.
Variant type: single nucleotide variant.
Coding change: c.3179C>T on transcript NM_001353345.2 (MANE Select); coding-DNA position 3179, C replaced by T.
Protein change: p.Pro1060Leu; replaces proline 1060 with leucine.
Molecular consequence: missense variant.
Genome position (GRCh38, 1-based): chr12:121,817,571, C>T. VCF-style: chr12-121817571-C-T. GRCh37 (hg19) VCF-style: chr12-122255477-C-T.
Other names: short protein forms P1060L.
Identifiers: ClinVar variation 3031514 (VCV003031514.2), dbSNP rs1353930047, ClinGen allele CA386996283.
Genomic context (GRCh38, chr12:121,817,571, plus strand): 5'-CATTGTCGGCGTCCTCGTCCTCATCCGCGTCATCATCCTCGGGGTCCTCAACCACCTCAC[C>T]CTCGTCCTCGGCCTCCGACAAGGAGGAGGAACAGGAGAGCACCGAGGAGGAAGAGGAGGC-3'
Protein context (NP_001340274.1, residues 1050-1070): SSSSGSSTTS[Pro1060Leu]SSSASDKEEE

ClinVar aggregate classification (germline): Uncertain significance (0 of 4 stars; one submission).

Conditions:
SETD1B-related disorder. Also called: SETD1B-related condition.

Allele frequency attached by ClinVar (database versions not stated): TOPMed 0.00002.
gnomAD v4.1: 55 of 1,551,424 alleles (0.0035%); highest among the groups gnomAD compares: Non-Finnish European, 0.0046%; no homozygotes.

Submission:

PreventionGenetics, part of Exact Sciences
Classification: Uncertain significance for SETD1B-related condition. Last evaluated: 2023-11-20. Review status: no assertion criteria provided. Collection method: clinical testing. Allele origin: germline.
Comment: The SETD1B c.3179C>T variant is predicted to result in the amino acid substitution p.Pro1060Leu. To our knowledge, this variant has not been reported in the literature. This variant is reported in 0.0017% of alleles in individuals of European (Non-Finnish) descent in gnomAD. At this time, the clinical significance of this variant is uncertain due to the absence of conclusive functional and genetic evidence.